The following is an entry in ClinVar:

NM_001845.6(COL4A1):c.1382-2A>G

Gene: COL4A1 (collagen type IV alpha 1 chain; minus strand). Cytogenetic location: 13q34.
Variant type: single nucleotide variant.
Coding change: c.1382-2A>G on transcript NM_001845.6 (MANE Select); the canonical splice acceptor site of the intron before coding-DNA position 1382, A replaced by G.
Molecular consequence: splice acceptor variant.
Genome position (GRCh38, 1-based): chr13:110,192,915, T>C on the plus strand (A>G on the coding strand, the complement: COL4A1 is on the minus strand). VCF-style: chr13-110192915-T-C. GRCh37 (hg19) VCF-style: chr13-110845262-T-C.
Other names: c.1382-2A>G (NM_001303110.2).
Identifiers: ClinVar variation 1473595 (VCV001473595.6), dbSNP rs758420618, ClinGen allele CA388723649.

ClinVar aggregate classification (germline): Likely pathogenic (1 of 4 stars; one submission).

Submission:

Labcorp Genetics (formerly Invitae), Labcorp
Classification: Likely pathogenic. Last evaluated: 2022-10-26. Review status: criteria provided, single submitter. Criteria: Invitae Variant Classification Sherloc (09022015). Collection method: clinical testing. Allele origin: germline.
Comment: ClinVar contains an entry for this variant (Variation ID: 1473595). This sequence change affects an acceptor splice site in intron 22 of the COL4A1 gene. It is expected to disrupt RNA splicing. Variants that disrupt the donor or acceptor splice site typically lead to a loss of protein function (PMID: 16199547), and loss-of-function variants in COL4A1 are known to be pathogenic (PMID: 23225343). This variant is not present in population databases (gnomAD no frequency). Disruption of this splice site has been observed in individual(s) with COL4A1-related conditions (Invitae). Algorithms developed to predict the effect of sequence changes on RNA splicing suggest that this variant may disrupt the consensus splice site. In summary, the currently available evidence indicates that the variant is pathogenic, but additional data are needed to prove that conclusively. Therefore, this variant has been classified as Likely Pathogenic.

Literature cited by the submitters: PubMed 16199547; PubMed 23225343.